The following is an entry in ClinVar:

NM_001807.6(CEL):c.1402G>A (p.Ala468Thr)

Gene: CEL (carboxyl ester lipase; plus strand). Cytogenetic location: 9q34.13.
Variant type: single nucleotide variant.
Coding change: c.1402G>A on transcript NM_001807.6 (MANE Select); coding-DNA position 1402, G replaced by A.
Protein change: p.Ala468Thr; replaces alanine 468 with threonine.
Molecular consequence: missense variant.
Genome position (GRCh38, 1-based): chr9:133,070,576, G>A. VCF-style: chr9-133070576-G-A. GRCh37 (hg19) VCF-style: chr9-135945963-G-A.
Other names: short protein forms A468T.
Identifiers: ClinVar variation 1030479 (VCV001030479.1), dbSNP rs777913068, ClinGen allele CA5303353.
Genomic context (GRCh38, chr9:133,070,576, plus strand): 5'-CCCAAATGGGTGGGGGCCGACCATGCAGATGACATTCAGTACGTTTTCGGGAAGCCCTTC[G>A]CCACCCCCACGGGCTACCGGCCCCAAGACAGGACAGTCTCTAAGGCCATGATCGCCTACT-3'
Protein context (NP_001798.3, residues 458-478): DIQYVFGKPF[Ala468Thr]TPTGYRPQDR

ClinVar aggregate classification (germline): Uncertain significance (1 of 4 stars; one submission).

Conditions:
Maturity-onset diabetes of the young type 8 (MODY8). Also called: DIABETES-PANCREATIC EXOCRINE DYSFUNCTION SYNDROME; DIABETES AND PANCREATIC EXOCRINE DYSFUNCTION. Identifiers: Orphanet 552, MedGen C1853297, MONDO:0012348, OMIM 609812.

Allele frequency attached by ClinVar (database versions not stated): ExAC 0.00002; gnomAD exomes 0.00002.
gnomAD v4.1: 27 of 1,613,892 alleles (0.0017%); highest among the groups gnomAD compares: Middle Eastern, 0.016%; no homozygotes.

Submission:

Baylor Genetics
Classification: Uncertain significance for Maturity-onset diabetes of the young type 8. Last evaluated: 2019-11-26. Review status: criteria provided, single submitter. Criteria: ACMG Guidelines, 2015. Collection method: clinical testing. Allele origin: unknown. Affected: yes.
Comment: This variant was determined to be of uncertain significance according to ACMG Guidelines, 2015 [PMID:25741868].